The following is an entry in ClinVar:

ClinVar aggregate classification (germline): Uncertain significance (1 of 4 stars; one submission).

Submission:

Institute for Clinical Genetics, University Hospital TU Dresden, University Hospital TU Dresden
Classification: Uncertain significance. Last evaluated: 2023-03-24. Review status: criteria provided, single submitter. Criteria: ACMG Guidelines, 2015. Collection method: clinical testing. Allele origin: germline.
Comment: PM2_SUP

NM_001368397.1(FRMPD4):c.2503G>A (p.Glu835Lys)

Gene: FRMPD4 (FERM and PDZ domain containing 4; plus strand). Cytogenetic location: Xp22.2.
Variant type: single nucleotide variant.
Coding change: c.2503G>A on transcript NM_001368397.1 (MANE Select); coding-DNA position 2503, G replaced by A.
Protein change: p.Glu835Lys; replaces glutamic acid 835 with lysine.
Molecular consequence: missense variant.
Genome position (GRCh38, 1-based): chrX:12,716,962, G>A. VCF-style: chrX-12716962-G-A. GRCh37 (hg19) VCF-style: chrX-12735081-G-A.
Other names: c.2614G>A, p.Glu872Lys (NM_001368395.3, NM_001368398.3); c.2509G>A, p.Glu837Lys (NM_001368396.3); c.2494G>A, p.Glu832Lys (NM_001368399.3); c.2383G>A, p.Glu795Lys (NM_001368400.3); c.2479G>A, p.Glu827Lys (NM_001368401.1, NM_001368402.3); c.2503G>A, p.Glu835Lys (NM_014728.3); short protein forms E795K, E827K, E832K, E835K, E837K, E872K.
Identifiers: ClinVar variation 2576094 (VCV002576094.1), dbSNP rs2519852619, ClinGen allele CA412312802.
Genomic context (GRCh38, chrX:12,716,962, plus strand): 5'-AGAGACAGTTCAGATGAAGAGGACTCTCAGAGCCAGGCAGCTTCCTTCCCCGAGGACAAG[G>A]AGAAAGGCAGCAGCCTGCAAAATGATGAGATCCCCGTGTCCCTCATTGACGCTGTGCCCA-3'
Protein context (NP_001355326.1, residues 825-845): SQAASFPEDK[Glu835Lys]KGSSLQNDEI